The following is an entry in ClinVar:

NM_024642.5(GALNT12):c.1213-3C>T

Gene: GALNT12 (polypeptide N-acetylgalactosaminyltransferase 12; plus strand). Cytogenetic location: 9q22.33.
Variant type: single nucleotide variant.
Coding change: c.1213-3C>T on transcript NM_024642.5 (MANE Select); 3 bases into the intron before coding-DNA position 1213, C replaced by T.
Molecular consequence: intron variant.
Genome position (GRCh38, 1-based): chr9:98,839,999, C>T. VCF-style: chr9-98839999-C-T. GRCh37 (hg19) VCF-style: chr9-101602281-C-T.
Identifiers: ClinVar variation 648179 (VCV000648179.13), dbSNP rs776520276, ClinGen allele CA5154207.

ClinVar aggregate classification (germline): Uncertain significance. Review status: criteria provided, multiple submitters, no conflicts (2 of 4 stars). 2 submissions from 2 submitters: Uncertain significance (2). Last evaluated 2024-03-29.

Allele frequency attached by ClinVar (database versions not stated): gnomAD exomes below 0.00001 and 0.00001; ExAC 0.00002; gnomAD 0.00003.
gnomAD v4.1: 3 of 1,613,956 alleles (0.00019%); highest among the groups gnomAD compares: East Asian, 0.0067%; no homozygotes.

Submissions (2):

Labcorp Genetics (formerly Invitae), Labcorp
Classification: Uncertain significance. Last evaluated: 2024-03-29. Review status: criteria provided, single submitter. Criteria: Invitae Variant Classification Sherloc (09022015). Collection method: clinical testing. Allele origin: germline.
Comment: This sequence change falls in intron 6 of the GALNT12 gene. It does not directly change the encoded amino acid sequence of the GALNT12 protein. It affects a nucleotide within the consensus splice site. This variant is present in population databases (rs776520276, gnomAD 0.02%). This variant has not been reported in the literature in individuals affected with GALNT12-related conditions. ClinVar contains an entry for this variant (Variation ID: 648179). Variants that disrupt the consensus splice site are a relatively common cause of aberrant splicing (PMID: 17576681, 9536098). Algorithms developed to predict the effect of sequence changes on RNA splicing suggest that this variant is not likely to affect RNA splicing. In summary, the available evidence is currently insufficient to determine the role of this variant in disease. Therefore, it has been classified as a Variant of Uncertain Significance.

Ambry Genetics
Classification: Uncertain significance. Last evaluated: 2023-11-01. Review status: criteria provided, single submitter. Criteria: Ambry Variant Classification Scheme 2023. Collection method: clinical testing. Allele origin: germline.
Comment: The c.1213-3C>T intronic variant results from a C to T substitution 3 nucleotides upstream from coding exon 7 in the GALNT12 gene. This nucleotide position is not well conserved in available vertebrate species. In silico splice site analysis predicts that this alteration will not have any significant effect on splicing. The evidence for this gene-disease relationship is limited; therefore, the clinical significance of this alteration is unclear.

Literature cited by the submitters: PubMed 17576681 (cited by Labcorp Genetics (formerly Invitae), Labcorp); PubMed 9536098 (cited by Labcorp Genetics (formerly Invitae), Labcorp).